The following is an entry in ClinVar:

ClinVar aggregate classification (germline): Uncertain significance (1 of 4 stars; one submission).

Conditions:
MAGEL2-related disorder. Also called: MAGEL2-related condition.

gnomAD v4.1: 3 of 1,385,592 alleles (0.00022%); highest among the groups gnomAD compares: African/African-American, 0.0031%; no homozygotes.

Submission:

PreventionGenetics, part of Exact Sciences
Classification: Uncertain significance for MAGEL2-related condition. Last evaluated: 2026-02-18. Review status: criteria provided, single submitter. Criteria: ACMG Guidelines, 2015. Collection method: clinical testing. Allele origin: germline.
Comment: The MAGEL2 c.1382C>T variant is predicted to result in the amino acid substitution p.Ala461Val. To our knowledge, this variant has not been reported in the literature or in a large population database (gnomAD), indicating this variant is rare. At this time, the clinical significance of this variant is uncertain due to the absence of conclusive functional and genetic evidence.

NM_019066.5(MAGEL2):c.1382C>T (p.Ala461Val)

Gene: MAGEL2 (MAGE family member L2; minus strand). Cytogenetic location: 15q11.2.
Variant type: single nucleotide variant.
Coding change: c.1382C>T on transcript NM_019066.5 (MANE Select); coding-DNA position 1382, C replaced by T.
Protein change: p.Ala461Val; replaces alanine 461 with valine.
Molecular consequence: missense variant.
Genome position (GRCh38, 1-based): chr15:23,646,361, G>A on the plus strand (C>T on the coding strand, the complement: MAGEL2 is on the minus strand). VCF-style: chr15-23646361-G-A. GRCh37 (hg19) VCF-style: chr15-23891508-G-A.
Other names: short protein forms A461V.
Identifiers: ClinVar variation 4985770 (VCV004985770.1).